The following is an entry in ClinVar:

NM_001148.6(ANK2):c.9730T>C (p.Cys3244Arg)

Gene: ANK2 (ankyrin 2; plus strand). Cytogenetic location: 4q26.
Variant type: single nucleotide variant.
Coding change: c.9730T>C on transcript NM_001148.6 (MANE Select); coding-DNA position 9730, T replaced by C.
Protein change: p.Cys3244Arg; replaces cysteine 3244 with arginine.
Molecular consequence: missense variant. On other transcripts: intron variant (68).
Genome position (GRCh38, 1-based): chr4:113,358,348, T>C. VCF-style: chr4-113358348-T-C. GRCh37 (hg19) VCF-style: chr4-114279504-T-C.
Other names: c.9496T>C, p.Cys3166Arg (NM_001386142.1); c.6130T>C, p.Cys2044Arg (NM_001386166.1); c.9871T>C, p.Cys3291Arg (NM_001386174.1); c.9847T>C, p.Cys3283Arg (NM_001386175.1); c.4412-2475T>C (NM_001386186.2, NM_001386148.2); c.4214-2475T>C (NM_001354269.3); c.4292-2475T>C (NM_001386187.2); c.4253-2475T>C (NM_001386147.1); and 35 more; short protein forms C3166R, C3244R, C3283R, C2044R, C3291R.
Identifiers: ClinVar variation 2473709 (VCV002473709.4), dbSNP rs139128939, ClinGen allele CA3051974.

ClinVar aggregate classification (germline): Uncertain significance. Review status: criteria provided, multiple submitters, no conflicts (2 of 4 stars). 3 submissions from 3 submitters: Uncertain significance (3). Last evaluated 2026-06-02.

Conditions:
Complex neurodevelopmental disorder. Identifiers: Orphanet 528084, MedGen C5568766, MONDO:0100038.
Cardiovascular phenotype. Identifiers: MedGen CN230736.

Allele frequency attached by ClinVar (database versions not stated): TOPMed 0.00002; ExAC 0.00001; gnomAD 0.00002; gnomAD exomes 0.00001; ESP Exome Variant Server 0.00008.
gnomAD v4.1: 15 of 1,613,906 alleles (0.00093%); highest among the groups gnomAD compares: African/African-American, 0.0013%; no homozygotes.

Submissions (3):

Women's Health and Genetics/Laboratory Corporation of America, LabCorp
Classification: Uncertain significance. Last evaluated: 2026-06-02. Review status: criteria provided, single submitter. Criteria: LabCorp Variant Classification Summary - May 2015. Collection method: clinical testing. Allele origin: germline.

Ambry Genetics
Classification: Uncertain significance for Cardiovascular phenotype. Last evaluated: 2023-01-17. Review status: criteria provided, single submitter. Criteria: Ambry Variant Classification Scheme 2023. Collection method: clinical testing. Allele origin: germline.

Clinical Genomics Laboratory, Stanford Medicine
Classification: Uncertain significance for Complex neurodevelopmental disorder. Last evaluated: 2022-08-15. Review status: criteria provided, single submitter. Criteria: ACMG Guidelines, 2015. Collection method: clinical testing. Allele origin: germline. Observed: 1 variant allele, 1 heterozygote.
Comment: The p.Cys3244Arg variant in the ANK2 gene has not been previously reported in association with disease. This variant was absent from large population databases, including the Genome Aggregation Database. Computational tools predict that this variant is neither deleterious nor benign; however, the accuracy of in silico algorithms is limited. These data were assessed using the ACMG/AMP variant interpretation guidelines. In summary, the significance of the p.Cys3244Arg variant is uncertain. Additional information is needed to resolve the significance of this variant. [ACMG evidence codes used: PM2]